The following is an entry in ClinVar:

NM_006623.4(PHGDH):c.792+6T>C

Gene: PHGDH (phosphoglycerate dehydrogenase; plus strand). Cytogenetic location: 1p12.
Variant type: single nucleotide variant.
Coding change: c.792+6T>C on transcript NM_006623.4 (MANE Select); 6 bases into the intron after coding-DNA position 792, T replaced by C.
Molecular consequence: intron variant.
Genome position (GRCh38, 1-based): chr1:119,735,449, T>C. VCF-style: chr1-119735449-T-C. GRCh37 (hg19) VCF-style: chr1-120278072-T-C.
Identifiers: ClinVar variation 1522800 (VCV001522800.7), dbSNP rs146953046, ClinGen allele CA2573131037.
Genomic context (GRCh38, chr1:119,735,449, plus strand): 5'-CCGGGCCCTGCAGTCTGGCCAGTGTGCCGGGGCTGCACTGGACGTGTTTACGGAAGTAAG[T>C]GCCTGGCAGCCTCAGCGTCAGGAGGACGGGAGAGATAGGGAGCAGAGAGGCCCATGGCAG-3'

ClinVar aggregate classification (germline): Uncertain significance (1 of 4 stars; one submission).

Conditions:
PHGDH deficiency. Identifiers: Orphanet 79351, MedGen C1866174, MONDO:0011152, OMIM 601815.

Submissions (3):

Labcorp Genetics (formerly Invitae), Labcorp
Classification: Uncertain significance for PHGDH deficiency. Last evaluated: 2021-02-11. Review status: criteria provided, single submitter. Criteria: Invitae Variant Classification Sherloc (09022015). Collection method: clinical testing. Allele origin: germline.
Comment: In summary, the available evidence is currently insufficient to determine the role of this variant in disease. Therefore, it has been classified as a Variant of Uncertain Significance. Nucleotide substitutions within the consensus splice site are a relatively common cause of aberrant splicing (PMID: 17576681, 9536098). Algorithms developed to predict the effect of sequence changes on RNA splicing suggest that this variant may disrupt the consensus splice site, but this prediction has not been confirmed by published transcriptional studies. This variant has not been reported in the literature in individuals with PHGDH-related conditions. This variant is not present in population databases (ExAC no frequency). This sequence change falls in intron 7 of the PHGDH gene. It does not directly change the encoded amino acid sequence of the PHGDH protein. It affects a nucleotide within the consensus splice site of the intron.

Dr. Peter K. Rogan Lab, Western University
No classification provided (evidence only). Condition: Uterine corpus endometrial carcinoma. Review status: no classification provided. Collection method: in vitro. Allele origin: not applicable. Functional consequence: skipped exon, retained intron. Not counted in ClinVar's aggregate classification.

Dr. Peter K. Rogan Lab, Western University
No classification provided (evidence only). Condition: Ovarian serous cystadenocarcinoma. Review status: no classification provided. Collection method: in vitro. Allele origin: not applicable. Functional consequence: retained intron. Not counted in ClinVar's aggregate classification.

Literature cited by the submitters: PubMed 17576681 (cited by Labcorp Genetics (formerly Invitae), Labcorp); PubMed 9536098 (cited by Labcorp Genetics (formerly Invitae), Labcorp).